The following is an entry in ClinVar:

ClinVar aggregate classification (germline): Uncertain significance (1 of 4 stars; one submission).

Submission:

Labcorp Genetics (formerly Invitae), Labcorp
Classification: Uncertain significance. Last evaluated: 2022-07-19. Review status: criteria provided, single submitter. Criteria: Invitae Variant Classification Sherloc (09022015). Collection method: clinical testing. Allele origin: germline.
Comment: This sequence change affects codon 829 of the MERTK mRNA. It is a 'silent' change, meaning that it does not change the encoded amino acid sequence of the MERTK protein. It affects a nucleotide within the consensus splice site. In summary, the available evidence is currently insufficient to determine the role of this variant in disease. Therefore, it has been classified as a Variant of Uncertain Significance. Algorithms developed to predict the effect of sequence changes on RNA splicing suggest that this variant is not likely to affect RNA splicing. This variant has not been reported in the literature in individuals affected with MERTK-related conditions. This variant is not present in population databases (gnomAD no frequency).

NM_006343.3(MERTK):c.2487G>A (p.Leu829=)

Gene: MERTK (MER proto-oncogene, tyrosine kinase; plus strand). Cytogenetic location: 2q13.
Variant type: single nucleotide variant.
Coding change: c.2487G>A on transcript NM_006343.3 (MANE Select); coding-DNA position 2487, G replaced by A.
Protein change: p.Leu829=; no amino-acid change (leucine 829 retained).
Molecular consequence: synonymous variant.
Genome position (GRCh38, 1-based): chr2:112,028,351, G>A. VCF-style: chr2-112028351-G-A. GRCh37 (hg19) VCF-style: chr2-112785928-G-A.
Identifiers: ClinVar variation 2107277 (VCV002107277.4), dbSNP rs2104429710, ClinGen allele CA428548419.